The following is an entry in ClinVar:

ClinVar aggregate classification (germline): Likely benign. Review status: reviewed by expert panel (3 of 4 stars). 10 submissions from 10 submitters: Likely benign (1). 9 of the submissions do not count toward it. Last evaluated 2017-06-29.

Conditions:
Hereditary cancer-predisposing syndrome. Also called: Hereditary Cancer Syndrome; Hereditary neoplastic syndrome; Neoplastic Syndromes, Hereditary; Tumor predisposition. Identifiers: Orphanet 140162, MedGen C0027672, MeSH D009386, MONDO:0015356.
Breast-ovarian cancer, familial, susceptibility to, 1 (BROVCA1). Also called: BRCA1 Hereditary Breast and Ovarian Cancer; OVARIAN CANCER, SUSCEPTIBILITY TO. Identifiers: Orphanet 145, MedGen C2676676, MONDO:0011450, OMIM 604370. Disease mechanism: loss of function.
BRCA1-related disorder. Also called: BRCA1-related condition.
Fanconi anemia, complementation group S (FANCS). Identifiers: MedGen C4554406, MONDO:0054748, OMIM 617883.
Hereditary breast ovarian cancer syndrome. Also called: BRCA1- and BRCA2-Associated Hereditary Breast and Ovarian Cancer; Hereditary breast and ovarian cancer syndrome; Hereditary breast and ovarian cancer syndrome (HBOC); Breast and ovarian cancer; Hereditary breast and/or ovarian cancer syndrome; Hereditary breast and ovarian cancer. Identifiers: Orphanet 145, MedGen C0677776, MeSH D061325, MONDO:0003582. Disease mechanism: loss of function.

Allele frequency attached by ClinVar (database versions not stated): TOPMed 0.00004.
gnomAD v4.1: 10 of 1,613,828 alleles (0.00062%); highest among the groups gnomAD compares: African/African-American, 0.013%; no homozygotes.

Submissions (10):

Evidence-based Network for the Interpretation of Germline Mutant Alleles (ENIGMA)
Classification: Likely benign for Breast-ovarian cancer, familial, susceptibility to, 1. Last evaluated: 2017-06-29. Review status: reviewed by expert panel. Criteria: ENIGMA BRCA1/2 Classification Criteria (2017-06-29). Collection method: curation. Allele origin: germline.
Comment: Synonymous substitution variant, with low bioinformatic likelihood to result in a splicing aberration (Splicing prior probability 0.02).

Labcorp Genetics (formerly Invitae), Labcorp
Classification: Likely benign for Hereditary breast ovarian cancer syndrome. Last evaluated: 2025-11-18. Review status: criteria provided, single submitter. Criteria: Invitae Variant Classification Sherloc (09022015). Collection method: clinical testing. Allele origin: germline. Not counted in ClinVar's aggregate classification.

Department of Pathology and Laboratory Medicine, Sinai Health System
Classification: Likely benign for Fanconi anemia, complementation group S. Last evaluated: 2024-02-07. Review status: criteria provided, single submitter. Criteria: ACMG Guidelines, 2015. Collection method: clinical testing. Allele origin: germline. Affected: no. Not counted in ClinVar's aggregate classification.

Women's Health and Genetics/Laboratory Corporation of America, LabCorp
Classification: Likely benign. Last evaluated: 2019-08-21. Review status: criteria provided, single submitter. Criteria: LabCorp Variant Classification Summary - May 2015. Collection method: clinical testing. Allele origin: germline. Not counted in ClinVar's aggregate classification.

Mendelics
Classification: Benign for Breast-ovarian cancer, familial, susceptibility to, 1. Last evaluated: 2019-05-28. Review status: criteria provided, single submitter. Criteria: Mendelics Assertion Criteria 2017. Collection method: clinical testing. Allele origin: unknown. Not counted in ClinVar's aggregate classification.

Quest Diagnostics Nichols Institute San Juan Capistrano
Classification: Likely benign. Last evaluated: 2019-05-10. Review status: criteria provided, single submitter. Criteria: Quest Diagnostics criteria. Collection method: clinical testing. Allele origin: germline. Not counted in ClinVar's aggregate classification.

Color Diagnostics, LLC DBA Color Health
Classification: Likely benign for Hereditary cancer-predisposing syndrome. Last evaluated: 2015-08-17. Review status: criteria provided, single submitter. Criteria: ACMG Guidelines, 2015. Collection method: clinical testing. Allele origin: germline. Not counted in ClinVar's aggregate classification.

Ambry Genetics
Classification: Likely benign for Hereditary cancer-predisposing syndrome. Last evaluated: 2014-08-27. Review status: criteria provided, single submitter. Criteria: Ambry Variant Classification Scheme 2023. Collection method: clinical testing. Allele origin: germline. Not counted in ClinVar's aggregate classification.

PreventionGenetics, part of Exact Sciences
Classification: Likely benign for BRCA1-related condition. Last evaluated: 2023-11-16. Review status: no assertion criteria provided. Collection method: clinical testing. Allele origin: germline. Not counted in ClinVar's aggregate classification.
Comment: This variant is classified as likely benign based on ACMG/AMP sequence variant interpretation guidelines (Richards et al. 2015 PMID: 25741868, with internal and published modifications).

Counsyl
Classification: Likely benign for Breast-ovarian cancer, familial, susceptibility to, 1. Last evaluated: 2018-04-25. Review status: no assertion criteria provided. Collection method: clinical testing. Allele origin: unknown. Not counted in ClinVar's aggregate classification.

Literature cited by the submitters: PubMed 21918853 (cited by Quest Diagnostics Nichols Institute San Juan Capistrano); PubMed 25141179 (cited by Counsyl).

NM_007294.4(BRCA1):c.5095C>A (p.Arg1699=)

Gene: BRCA1 (BRCA1 DNA repair associated; minus strand). Cytogenetic location: 17q21.31.
Variant type: single nucleotide variant.
Coding change: c.5095C>A on transcript NM_007294.4 (MANE Select); coding-DNA position 5095, C replaced by A.
Protein change: p.Arg1699=; no amino-acid change (arginine 1699 retained).
Molecular consequence: synonymous variant. On other transcripts: intron variant (2).
Genome position (GRCh38, 1-based): chr17:43,063,931, G>T on the plus strand (C>A on the coding strand, the complement: BRCA1 is on the minus strand). VCF-style: chr17-43063931-G-T. GRCh37 (hg19) VCF-style: chr17-41215948-G-T.
Other names: c.4951C>A, p.Arg1651= (NM_001407737.1, NM_001407738.1, NM_001407739.1 and 21 more transcripts); c.4948C>A, p.Arg1650= (NM_001407838.1, NM_001407839.1, NM_001407841.1 and 12 more transcripts); c.5095C>A, p.Arg1699= (NM_001407854.1, NM_001407593.1, NM_001407594.1 and 7 more transcripts); c.5092C>A, p.Arg1698= (NM_001407858.1, NM_001407859.1, NM_001407860.1 and 17 more transcripts); c.5089C>A, p.Arg1697= (NM_001407861.1, NM_001407627.1, NM_001407628.1 and 14 more transcripts); c.4894C>A, p.Arg1632= (NM_001407862.1); c.4888C>A, p.Arg1630= (NM_001407874.1, NM_001407875.1); c.4885C>A, p.Arg1629= (NM_001407879.1, NM_001407881.1, NM_001407882.1 and 5 more transcripts); and 73 more.
Identifiers: ClinVar variation 55395 (VCV000055395.25), dbSNP rs55770810, ClinGen allele CA003233.